The following is an entry in ClinVar:

NM_001613.4(ACTA2):c.329C>T (p.Ala110Val)

Gene: ACTA2 (actin alpha 2, smooth muscle; minus strand). Cytogenetic location: 10q23.31.
Variant type: single nucleotide variant.
Coding change: c.329C>T on transcript NM_001613.4 (MANE Select); coding-DNA position 329, C replaced by T.
Protein change: p.Ala110Val; replaces alanine 110 with valine.
Molecular consequence: missense variant. On other transcripts: intron variant (1).
Genome position (GRCh38, 1-based): chr10:88,943,837, G>A on the plus strand (C>T on the coding strand, the complement: ACTA2 is on the minus strand). VCF-style: chr10-88943837-G-A. GRCh37 (hg19) VCF-style: chr10-90703594-G-A.
Other names: c.329C>T, p.Ala110Val (NM_001141945.3, NM_001320855.2, NM_001406462.1 and 3 more transcripts); c.200C>T, p.Ala67Val (NM_001406467.1, NM_001406468.1, NM_001406469.1); c.259-1968C>T (NM_001406466.1); short protein forms A110V, A67V.
Identifiers: ClinVar variation 4536430 (VCV004536430.1).

ClinVar aggregate classification (germline): Uncertain significance (1 of 4 stars; one submission).

Submission:

GeneDx
Classification: Uncertain significance. Last evaluated: 2025-06-05. Review status: criteria provided, single submitter. Criteria: GeneDx Variant Classification Process June 2021. Collection method: clinical testing. Allele origin: germline. Affected: yes.
Comment: Not observed at significant frequency in large population cohorts (gnomAD); In silico analysis supports that this missense variant has a deleterious effect on protein structure/function; Has not been previously published as pathogenic or benign to our knowledge